The following is an entry in ClinVar:

ClinVar aggregate classification (germline): Uncertain significance (1 of 4 stars; one submission).

Conditions:
Lymphoproliferative syndrome 1 (LPFS1). Identifiers: Orphanet 238505, Orphanet 538963, MedGen C3552634, MONDO:0013081, OMIM 613011.

Allele frequency attached by ClinVar (database versions not stated): TOPMed below 0.00001; gnomAD 0.00001; gnomAD exomes 0.00001.
gnomAD v4.1: 12 of 1,614,014 alleles (0.00074%); highest among the groups gnomAD compares: Non-Finnish European, 0.001%; no homozygotes.

Submission:

Labcorp Genetics (formerly Invitae), Labcorp
Classification: Uncertain significance for Lymphoproliferative syndrome 1. Last evaluated: 2023-10-13. Review status: criteria provided, single submitter. Criteria: Invitae Variant Classification Sherloc (09022015). Collection method: clinical testing. Allele origin: germline.
Comment: This sequence change replaces valine, which is neutral and non-polar, with methionine, which is neutral and non-polar, at codon 419 of the ITK protein (p.Val419Met). This variant is not present in population databases (gnomAD no frequency). This variant has not been reported in the literature in individuals affected with ITK-related conditions. ClinVar contains an entry for this variant (Variation ID: 1389577). Advanced modeling of protein sequence and biophysical properties (such as structural, functional, and spatial information, amino acid conservation, physicochemical variation, residue mobility, and thermodynamic stability) performed at Invitae indicates that this missense variant is expected to disrupt ITK protein function. In summary, the available evidence is currently insufficient to determine the role of this variant in disease. Therefore, it has been classified as a Variant of Uncertain Significance.

NM_005546.4(ITK):c.1255G>A (p.Val419Met)

Gene: ITK (IL2 inducible T cell kinase; plus strand). Cytogenetic location: 5q33.3.
Variant type: single nucleotide variant.
Coding change: c.1255G>A on transcript NM_005546.4 (MANE Select); coding-DNA position 1255, G replaced by A.
Protein change: p.Val419Met; replaces valine 419 with methionine.
Molecular consequence: missense variant.
Genome position (GRCh38, 1-based): chr5:157,244,284, G>A. VCF-style: chr5-157244284-G-A. GRCh37 (hg19) VCF-style: chr5-156671294-G-A.
Other names: short protein forms V419M.
Identifiers: ClinVar variation 1389577 (VCV001389577.6), dbSNP rs1754974716, ClinGen allele CA361961138.
Genomic context (GRCh38, chr5:157,244,284, plus strand): 5'-GAGTTTAGGCCATCTCACCCCTTGTCTTTTTCCTCCAGGAAACTCTCTCATCCCAAACTG[G>A]TGCAGCTGTATGGGGTGTGCCTGGAGCAGGCCCCCATCTGCCTGGTGTTTGAGTTCATGG-3'
Protein context (NP_005537.3, residues 409-429): VMMKLSHPKL[Val419Met]QLYGVCLEQA